The following is an entry in ClinVar:

NM_001297.5(CNGB1):c.1393C>T (p.Pro465Ser)

Gene: CNGB1 (cyclic nucleotide gated channel subunit beta 1; minus strand). Cytogenetic location: 16q21.
Variant type: single nucleotide variant.
Coding change: c.1393C>T on transcript NM_001297.5 (MANE Select); coding-DNA position 1393, C replaced by T.
Protein change: p.Pro465Ser; replaces proline 465 with serine.
Molecular consequence: missense variant.
Genome position (GRCh38, 1-based): chr16:57,931,858, G>A on the plus strand (C>T on the coding strand, the complement: CNGB1 is on the minus strand). VCF-style: chr16-57931858-G-A. GRCh37 (hg19) VCF-style: chr16-57965762-G-A.
Other names: c.1375C>T, p.Pro459Ser (NM_001286130.2); short protein forms P459S, P465S.
Identifiers: ClinVar variation 1463268 (VCV001463268.5), dbSNP rs1238008286, ClinGen allele CA396071094.

ClinVar aggregate classification (germline): Uncertain significance (1 of 4 stars; one submission).

Allele frequency attached by ClinVar (database versions not stated): gnomAD 0.00001.
gnomAD v4.1: 9 of 1,613,980 alleles (0.00056%); highest among the groups gnomAD compares: Non-Finnish European, 0.00076%; no homozygotes.

Submission:

Labcorp Genetics (formerly Invitae), Labcorp
Classification: Uncertain significance. Last evaluated: 2021-09-20. Review status: criteria provided, single submitter. Criteria: Invitae Variant Classification Sherloc (09022015). Collection method: clinical testing. Allele origin: germline.
Comment: This sequence change replaces proline with serine at codon 465 of the CNGB1 protein (p.Pro465Ser). The proline residue is moderately conserved and there is a moderate physicochemical difference between proline and serine. This variant is not present in population databases (ExAC no frequency). This variant has not been reported in the literature in individuals affected with CNGB1-related conditions. Advanced modeling of protein sequence and biophysical properties (such as structural, functional, and spatial information, amino acid conservation, physicochemical variation, residue mobility, and thermodynamic stability) performed at Invitae indicates that this missense variant is not expected to disrupt CNGB1 protein function. In summary, the available evidence is currently insufficient to determine the role of this variant in disease. Therefore, it has been classified as a Variant of Uncertain Significance.